The following is an entry in ClinVar:

ClinVar aggregate classification (germline): Uncertain significance. Review status: criteria provided, multiple submitters, no conflicts (2 of 4 stars). 2 submissions from 2 submitters: Uncertain significance (2). Last evaluated 2026-01-02.

Submissions (2):

Labcorp Genetics (formerly Invitae), Labcorp
Classification: Uncertain significance. Last evaluated: 2026-01-02. Review status: criteria provided, single submitter. Criteria: Invitae Variant Classification Sherloc (09022015). Collection method: clinical testing. Allele origin: germline.
Comment: This sequence change replaces glutamic acid, which is acidic and polar, with lysine, which is basic and polar, at codon 111 of the TUBB1 protein (p.Glu111Lys). This variant is present in population databases (rs749443114, gnomAD 0.003%). This variant has not been reported in the literature in individuals affected with TUBB1-related conditions. Invitae Evidence Modeling of protein sequence and biophysical properties (such as structural, functional, and spatial information, amino acid conservation, physicochemical variation, residue mobility, and thermodynamic stability) has been performed for this missense variant. However, the output from this modeling did not meet the statistical confidence thresholds required to predict the impact of this variant on TUBB1 protein function. In summary, the available evidence is currently insufficient to determine the role of this variant in disease. Therefore, it has been classified as a Variant of Uncertain Significance.

Blueprint Genetics
Classification: Uncertain significance. Last evaluated: 2024-10-15. Review status: criteria provided, single submitter. Criteria: ACMG Guidelines, 2015. Collection method: clinical testing. Allele origin: germline.

NM_030773.4(TUBB1):c.331G>A (p.Glu111Lys)

Gene: TUBB1 (tubulin beta 1 class VI; plus strand). Cytogenetic location: 20q13.32.
Variant type: single nucleotide variant.
Coding change: c.331G>A on transcript NM_030773.4 (MANE Select); coding-DNA position 331, G replaced by A.
Protein change: p.Glu111Lys; replaces glutamic acid 111 with lysine.
Molecular consequence: missense variant.
Genome position (GRCh38, 1-based): chr20:59,023,758, G>A. VCF-style: chr20-59023758-G-A. GRCh37 (hg19) VCF-style: chr20-57598813-G-A.
Other names: short protein forms E111K.
Identifiers: ClinVar variation 4761576 (VCV004761576.2).